The following is an entry in ClinVar:

NM_000330.4(RS1):c.60_64del (p.Leu20fs)

Gene: RS1 (retinoschisin 1; minus strand). Cytogenetic location: Xp22.13.
Variant type: Deletion.
Coding change: c.60_64del on transcript NM_000330.4 (MANE Select); coding-DNA positions 60 to 64, 5 bases deleted (GGGAT; older notation c.60_64delGGGAT).
Protein change: p.Leu20fs; shifts the reading frame from leucine 20.
Molecular consequence: frameshift variant.
Genome position (GRCh38, 1-based): chrX:18,657,654-18,657,658, ATCCC deleted on the plus strand (GGGAT on the coding strand, the reverse complement: RS1 is on the minus strand); deleting any 5 consecutive bases within chrX:18,657,654-18,657,659 gives the same sequence; the c. name uses the placement nearest the transcript's 3' end. VCF-style (leftmost placement, unchanged base first): chrX-18657653-AATCCC-A. GRCh37 (hg19) VCF-style: chrX-18675773-AATCCC-A.
Other names: short protein forms L20fs.
Identifiers: ClinVar variation 1726095 (VCV001726095.2), dbSNP rs2518938589, ClinGen allele CA2580100421.

ClinVar aggregate classification (germline): Likely pathogenic (1 of 4 stars; one submission).

Conditions:
Juvenile retinoschisis (RS1). Also called: X-linked retinoschisis; X-Linked Juvenile Retinoschisis. Identifiers: Orphanet 792, MedGen C3714753, MONDO:0010725, OMIM 312700.

Submission:

Myriad Genetics, Inc.
Classification: Likely pathogenic for Juvenile retinoschisis. Last evaluated: 2022-05-18. Review status: criteria provided, single submitter. Criteria: Myriad Women's Health Autosomal Recessive and X-Linked Classification Criteria (2021). Collection method: clinical testing. Allele origin: unknown.
Comment: NM_000330.3(RS1):c.60_64del5(L20Ffs*7) is expected to be pathogenic in the context of X-linked juvenile retinoschisis. This variant is predicted to lead to an abnormal or absent protein product due to the creation of a premature termination codon in RS1, a gene where loss-of-function variants are known to be pathogenic. Please note: this variant was assessed in the context of healthy population screening.